The following is an entry in ClinVar:

ClinVar aggregate classification (germline): Uncertain significance. Review status: criteria provided, multiple submitters, no conflicts (2 of 4 stars). 3 submissions from 3 submitters: Uncertain significance (3). Last evaluated 2024-11-10.

Conditions:
Neuropathy, hereditary sensory and autonomic, type 2A (HSAN2A). Also called: WNK1-Related HSAN2 (HSAN2A); MORVAN DISEASE; NEUROPATHY, CONGENITAL SENSORY; NEUROPATHY, HEREDITARY SENSORY RADICULAR, AUTOSOMAL RECESSIVE; NEUROPATHY, HEREDITARY SENSORY, TYPE IIA; NEUROPATHY, PROGRESSIVE SENSORY, OF CHILDREN. Identifiers: Orphanet 970, MedGen C2752089, MONDO:0024309, OMIM 201300.
Generalized epilepsy with febrile seizures plus, type 7 (GEFSP7). Also called: GEFS+, TYPE 7. Identifiers: Orphanet 36387, MedGen C2751778, MONDO:0013470, OMIM 613863.
Inborn genetic diseases. Identifiers: MedGen C0950123, MeSH D030342.

Allele frequency attached by ClinVar (database versions not stated): gnomAD exomes below 0.00001; gnomAD 0.00001; TOPMed 0.00002.
gnomAD v4.1: 5 of 1,613,886 alleles (0.00031%); highest among the groups gnomAD compares: African/African-American, 0.0013%; no homozygotes.

Submissions (3):

Ambry Genetics
Classification: Uncertain significance for Inborn genetic diseases. Last evaluated: 2024-11-10. Review status: criteria provided, single submitter. Criteria: Ambry Variant Classification Scheme 2023. Collection method: clinical testing. Allele origin: germline.

Labcorp Genetics (formerly Invitae), Labcorp
Classification: Uncertain significance for Neuropathy, hereditary sensory and autonomic, type 2A; Generalized epilepsy with febrile seizures plus, type 7. Last evaluated: 2023-06-24. Review status: criteria provided, single submitter. Criteria: Invitae Variant Classification Sherloc (09022015). Collection method: clinical testing. Allele origin: germline.
Comment: In summary, the available evidence is currently insufficient to determine the role of this variant in disease. Therefore, it has been classified as a Variant of Uncertain Significance. Advanced modeling of protein sequence and biophysical properties (such as structural, functional, and spatial information, amino acid conservation, physicochemical variation, residue mobility, and thermodynamic stability) performed at Invitae indicates that this missense variant is not expected to disrupt SCN9A protein function. ClinVar contains an entry for this variant (Variation ID: 648209). This variant has not been reported in the literature in individuals affected with SCN9A-related conditions. This variant is present in population databases (no rsID available, gnomAD 0.0009%). This sequence change replaces threonine, which is neutral and polar, with serine, which is neutral and polar, at codon 1883 of the SCN9A protein (p.Thr1883Ser).

New York Genome Center
Classification: Uncertain significance for Generalized epilepsy with febrile seizures plus, type 7. Last evaluated: 2020-08-14. Review status: criteria provided, single submitter. Criteria: NYGC Assertion Criteria 2020. Collection method: clinical testing. Allele origin: germline. Observed: 1 heterozygote. Study: CSER-NYCKidSeq.
Comment: The c.5681C>G, p.Thr1894Ser missense variant identified in the SCN9A gene has not been reported in the literature. This variant has anallele frequency of 0.001 (2 heterozygous/ 143,284alleles) in the gnomAD v3 database, indicating this is a rare allele. The threonine residue at AA position 1894 is highly conserved and there is a small physicochemical difference between threonine and serine. In silico analysis predicts conflicting evidence of pathogenicity [PMID: 27268795]. Based on the available evidence, the variant c.5681C>G, p.Thr1894Ser in the SCN9A gene is classified as a Variant of Uncertain Significance.

NM_001365536.1(SCN9A):c.5681C>G (p.Thr1894Ser)

Genes: SCN1A-AS1 (SCN1A and SCN9A antisense RNA 1; plus strand), SCN9A (sodium voltage-gated channel alpha subunit 9; minus strand). Cytogenetic location: 2q24.3.
Variant type: single nucleotide variant.
Coding change: c.5681C>G on transcript NM_001365536.1 (MANE Select); coding-DNA position 5681, C replaced by G.
Protein change: p.Thr1894Ser; replaces threonine 1894 with serine.
Molecular consequence: missense variant.
Genome position (GRCh38, 1-based): chr2:166,198,958, G>C on the plus strand (C>G on the coding strand, the complement: SCN9A is on the minus strand). VCF-style: chr2-166198958-G-C. GRCh37 (hg19) VCF-style: chr2-167055468-G-C.
Other names: c.5648C>G, p.Thr1883Ser (NM_002977.4); short protein forms T1883S, T1894S.
Identifiers: ClinVar variation 648209 (VCV000648209.13), dbSNP rs1264234784, ClinGen allele CA349051731.